The following is an entry in ClinVar:

NM_000110.4(DPYD):c.976T>C (p.Ser326Pro)

Gene: DPYD (dihydropyrimidine dehydrogenase; minus strand). Cytogenetic location: 1p21.3.
Variant type: single nucleotide variant.
Coding change: c.976T>C on transcript NM_000110.4 (MANE Select); coding-DNA position 976, T replaced by C.
Protein change: p.Ser326Pro; replaces serine 326 with proline.
Molecular consequence: missense variant.
Genome position (GRCh38, 1-based): chr1:97,593,370, A>G on the plus strand (T>C on the coding strand, the complement: DPYD is on the minus strand). VCF-style: chr1-97593370-A-G. GRCh37 (hg19) VCF-style: chr1-98058926-A-G.
Other names: short protein forms S326P.
Identifiers: ClinVar variation 1804189 (VCV001804189.2), dbSNP rs770566506, ClinGen allele CA963474.

ClinVar aggregate classification (germline): Uncertain significance. Review status: criteria provided, multiple submitters, no conflicts (2 of 4 stars). 2 submissions from 2 submitters: Uncertain significance (2). Last evaluated 2025-05-07.

Conditions:
Inborn genetic diseases. Identifiers: MedGen C0950123, MeSH D030342.

Allele frequency attached by ClinVar (database versions not stated): gnomAD 0.00005; TOPMed 0.00005; ExAC 0.00002.
gnomAD v4.1: 18 of 1,613,966 alleles (0.0011%); highest among the groups gnomAD compares: African/African-American, 0.023%; no homozygotes.

Submissions (2):

Ambry Genetics
Classification: Uncertain significance for Inborn genetic diseases. Last evaluated: 2025-05-07. Review status: criteria provided, single submitter. Criteria: Ambry Variant Classification Scheme 2023. Collection method: clinical testing. Allele origin: germline.

GeneDx
Classification: Uncertain significance. Last evaluated: 2022-06-16. Review status: criteria provided, single submitter. Criteria: GeneDx Variant Classification Process June 2021. Collection method: clinical testing. Allele origin: germline. Affected: yes.
Comment: In silico analysis supports that this missense variant has a deleterious effect on protein structure/function; Has not been previously published as pathogenic or benign to our knowledge